The following is an entry in ClinVar:

NM_002350.4(LYN):c.359A>T (p.Lys120Ile)

Gene: LYN (LYN proto-oncogene, Src family tyrosine kinase; plus strand). Cytogenetic location: 8q12.1.
Variant type: single nucleotide variant.
Coding change: c.359A>T on transcript NM_002350.4 (MANE Select); coding-DNA position 359, A replaced by T.
Protein change: p.Lys120Ile; replaces lysine 120 with isoleucine.
Molecular consequence: missense variant.
Genome position (GRCh38, 1-based): chr8:55,950,533, A>T. VCF-style: chr8-55950533-A-T. GRCh37 (hg19) VCF-style: chr8-56863092-A-T.
Other names: c.296A>T, p.Lys99Ile (NM_001111097.3); short protein forms K99I, K120I.
Identifiers: ClinVar variation 2136672 (VCV002136672.4), dbSNP rs2487512759, ClinGen allele CA371280037.
Genomic context (GRCh38, chr8:55,950,533, plus strand): 5'-GGAAAGCAAAGTCCCTTTTAACAAAAAAAGAAGGCTTCATCCCCAGCAACTATGTGGCCA[A>T]ACTCAACACCTTAGAAACAGAAGAGTGAGTCCTCATGTGTTGTCATCTTGGTGGCTTTAT-3'
Protein context (NP_002341.1, residues 110-130): EGFIPSNYVA[Lys120Ile]LNTLETEEWF

ClinVar aggregate classification (germline): Uncertain significance (1 of 4 stars; one submission).

Allele frequency attached by ClinVar (database versions not stated): gnomAD exomes below 0.00001.
gnomAD v4.1: 2 of 1,613,876 alleles (0.00012%); highest among the groups gnomAD compares: South Asian, 0.0022%; no homozygotes.

Submission:

Labcorp Genetics (formerly Invitae), Labcorp
Classification: Uncertain significance. Last evaluated: 2022-11-01. Review status: criteria provided, single submitter. Criteria: Invitae Variant Classification Sherloc (09022015). Collection method: clinical testing. Allele origin: germline.
Comment: In summary, the available evidence is currently insufficient to determine the role of this variant in disease. Therefore, it has been classified as a Variant of Uncertain Significance. Algorithms developed to predict the effect of missense changes on protein structure and function are either unavailable or do not agree on the potential impact of this missense change (SIFT: "Deleterious"; PolyPhen-2: "Possibly Damaging"; Align-GVGD: "Class C15"). This missense change has been observed in individual(s) with autoinflammatory disease (PMID: 28750028). This variant is not present in population databases (gnomAD no frequency). This sequence change replaces lysine, which is basic and polar, with isoleucine, which is neutral and non-polar, at codon 120 of the LYN protein (p.Lys120Ile).

Literature cited by the submitters: PubMed 28750028.